The following is an entry in ClinVar:

ClinVar aggregate classification (germline): Uncertain significance (1 of 4 stars; one submission).

Conditions:
Warburg micro syndrome 2 (WARBM2). Also called: MICRO SYNDROME 2. Identifiers: Orphanet 2510, MedGen C3280214, MONDO:0013641, OMIM 614225.
Martsolf syndrome (MARTS). Also called: Congenital cataract with intellectual disability and hypogonadotropic hypogonadism syndrome. Identifiers: Orphanet 1387, MedGen C0796037, MONDO:0023910.

Allele frequency attached by ClinVar (database versions not stated): gnomAD exomes below 0.00001; TOPMed below 0.00001; gnomAD 0.00001.
gnomAD v4.1: 4 of 1,573,646 alleles (0.00025%); highest among the groups gnomAD compares: African/African-American, 0.0041%; no homozygotes.

Submission:

Labcorp Genetics (formerly Invitae), Labcorp
Classification: Uncertain significance for Martsolf syndrome; Warburg micro syndrome 2. Last evaluated: 2022-03-19. Review status: criteria provided, single submitter. Criteria: Invitae Variant Classification Sherloc (09022015). Collection method: clinical testing. Allele origin: germline.
Comment: In summary, the available evidence is currently insufficient to determine the role of this variant in disease. Therefore, it has been classified as a Variant of Uncertain Significance. Algorithms developed to predict the effect of missense changes on protein structure and function (SIFT, PolyPhen-2, Align-GVGD) all suggest that this variant is likely to be tolerated. This variant has not been reported in the literature in individuals affected with RAB3GAP2-related conditions. This variant is not present in population databases (gnomAD no frequency). This sequence change replaces asparagine, which is neutral and polar, with aspartic acid, which is acidic and polar, at codon 205 of the RAB3GAP2 protein (p.Asn205Asp).

NM_012414.4(RAB3GAP2):c.613A>G (p.Asn205Asp)

Gene: RAB3GAP2 (RAB3 GTPase activating non-catalytic protein subunit 2; minus strand). Cytogenetic location: 1q41.
Variant type: single nucleotide variant.
Coding change: c.613A>G on transcript NM_012414.4 (MANE Select); coding-DNA position 613, A replaced by G.
Protein change: p.Asn205Asp; replaces asparagine 205 with aspartic acid.
Molecular consequence: missense variant.
Genome position (GRCh38, 1-based): chr1:220,206,006, T>C on the plus strand (A>G on the coding strand, the complement: RAB3GAP2 is on the minus strand). VCF-style: chr1-220206006-T-C. GRCh37 (hg19) VCF-style: chr1-220379348-T-C.
Other names: short protein forms N205D.
Identifiers: ClinVar variation 1895808 (VCV001895808.5), dbSNP rs976791693, ClinGen allele CA37951124.